The following is an entry in ClinVar:

NM_000540.3(RYR1):c.13927G>T (p.Ala4643Ser)

Gene: RYR1 (ryanodine receptor 1; plus strand). Cytogenetic location: 19q13.2.
Variant type: single nucleotide variant.
Coding change: c.13927G>T on transcript NM_000540.3 (MANE Select); coding-DNA position 13927, G replaced by T.
Protein change: p.Ala4643Ser; replaces alanine 4643 with serine.
Molecular consequence: missense variant.
Genome position (GRCh38, 1-based): chr19:38,572,199, G>T. VCF-style: chr19-38572199-G-T. GRCh37 (hg19) VCF-style: chr19-39062839-G-T.
Other names: c.13912G>T, p.Ala4638Ser (NM_001042723.2); short protein forms A4638S, A4643S.
Identifiers: ClinVar variation 3072198 (VCV003072198.1), dbSNP rs200286252, ClinGen allele CA405681169.

ClinVar aggregate classification (germline): Uncertain significance (1 of 4 stars; one submission).

Conditions:
Malignant hyperthermia, susceptibility to, 1 (MHS1). Also called: Anesthesia related hyperthermia; Malignant hyperpyrexia; Fulminating hyperpyrexia; Pharmacogenic myopathy; RYR1-Related Malignant Hyperthermia Susceptibility; Malignant hyperthermia suceptibility 1. Identifiers: Orphanet 423, MedGen C2930980, MONDO:0007783, OMIM 145600.

Submission:

All of Us Research Program, National Institutes of Health
Classification: Uncertain significance for Malignant hyperthermia, susceptibility to, 1. Last evaluated: 2023-06-26. Review status: criteria provided, single submitter. Criteria: ACMG Guidelines, 2015. Collection method: clinical testing. Allele origin: germline. Inheritance: Autosomal dominant inheritance. Observed: 1 variant allele, 1 heterozygote.
Comment: This missense variant replaces alanine with serine at codon 4643 of the RYR1 protein. Computational prediction is inconclusive regarding the impact of this variant on protein structure and function (internally defined REVEL score threshold 0.5 < inconclusive < 0.7, PMID: 27666373). To our knowledge, functional studies have not been reported for this variant. This variant has not been reported in individuals affected with RYR1-related disorders in the literature. This variant has not been identified in the general population by the Genome Aggregation Database (gnomAD). The available evidence is insufficient to determine the role of this variant in disease conclusively. Therefore, this variant is classified as a Variant of Uncertain Significance.

This study involves interpretation of variants in research participants for the purpose of population health screening. Participant phenotype was not available at the time of variant classification. Additional details can be found in publication PMID: 35346344, PMCID: PMC8962531